The following is an entry in ClinVar:

NM_032608.7(MYO18B):c.1625G>C (p.Gly542Ala)

Gene: MYO18B (myosin XVIIIB; plus strand). Cytogenetic location: 22q12.1.
Variant type: single nucleotide variant.
Coding change: c.1625G>C on transcript NM_032608.7 (MANE Select); coding-DNA position 1625, G replaced by C.
Protein change: p.Gly542Ala; replaces glycine 542 with alanine.
Molecular consequence: missense variant.
Genome position (GRCh38, 1-based): chr22:25,770,917, G>C. VCF-style: chr22-25770917-G-C. GRCh37 (hg19) VCF-style: chr22-26166884-G-C.
Other names: c.1625G>C, p.Gly542Ala (NM_001318245.2); short protein forms G542A.
Identifiers: ClinVar variation 2123931 (VCV002123931.4), dbSNP rs1218886690, ClinGen allele CA411005636.

ClinVar aggregate classification (germline): Uncertain significance (1 of 4 stars; one submission).

Submission:

Labcorp Genetics (formerly Invitae), Labcorp
Classification: Uncertain significance. Last evaluated: 2022-05-23. Review status: criteria provided, single submitter. Criteria: Invitae Variant Classification Sherloc (09022015). Collection method: clinical testing. Allele origin: germline.
Comment: In summary, the available evidence is currently insufficient to determine the role of this variant in disease. Therefore, it has been classified as a Variant of Uncertain Significance. Algorithms developed to predict the effect of missense changes on protein structure and function are either unavailable or do not agree on the potential impact of this missense change (SIFT: "Not Available"; PolyPhen-2: "Probably Damaging"; Align-GVGD: "Not Available"). This variant has not been reported in the literature in individuals affected with MYO18B-related conditions. This variant is not present in population databases (gnomAD no frequency). This sequence change replaces glycine, which is neutral and non-polar, with alanine, which is neutral and non-polar, at codon 542 of the MYO18B protein (p.Gly542Ala).